The following is an entry in ClinVar:

ClinVar aggregate classification (germline): Benign/Likely benign. Review status: criteria provided, multiple submitters, no conflicts (2 of 4 stars). 2 submissions from 2 submitters: Benign (1); Likely benign (1). Last evaluated 2025-07-22.

Allele frequency attached by ClinVar (database versions not stated): ExAC 0.00004; gnomAD 0.00004.
gnomAD v4.1: 54 of 1,613,890 alleles (0.0033%); highest among the groups gnomAD compares: African/African-American, 0.0093%; no homozygotes.

Submissions (2):

Labcorp Genetics (formerly Invitae), Labcorp
Classification: Benign. Last evaluated: 2025-07-22. Review status: criteria provided, single submitter. Criteria: Invitae Variant Classification Sherloc (09022015). Collection method: clinical testing. Allele origin: germline.

CeGaT Center for Human Genetics Tuebingen
Classification: Likely benign. Last evaluated: 2023-10-01. Review status: criteria provided, single submitter. Criteria: CeGaT Center For Human Genetics Tuebingen Variant Classification Criteria Version 2. Collection method: clinical testing. Allele origin: germline. Affected: yes. Observed: 1 variant allele.
Comment: ARID1B: BP4, BP7

NM_001374828.1(ARID1B):c.6546G>A (p.Pro2182=)

Gene: ARID1B (AT-rich interaction domain 1B; plus strand). Cytogenetic location: 6q25.3.
Variant type: single nucleotide variant.
Coding change: c.6546G>A on transcript NM_001374828.1 (MANE Select); coding-DNA position 6546, G replaced by A.
Protein change: p.Pro2182=; no amino-acid change (proline 2182 retained).
Molecular consequence: synonymous variant.
Genome position (GRCh38, 1-based): chr6:157,207,318, G>A. VCF-style: chr6-157207318-G-A. GRCh37 (hg19) VCF-style: chr6-157528452-G-A.
Other names: c.6297G>A, p.Pro2099= (NM_001346813.1); c.4047G>A, p.Pro1349= (NM_001363725.2); c.6426G>A, p.Pro2142= (NM_001371656.1, NM_001374820.1); c.6387G>A, p.Pro2129= (NM_017519.3); c.6177G>A, p.Pro2059= (NM_020732.3); c.5964G>A, p.Pro1988= (NM_175863.2).
Identifiers: ClinVar variation 2657073 (VCV002657073.27), dbSNP rs776483400, ClinGen allele CA4068041.